The following is an entry in ClinVar:

ClinVar aggregate classification (germline): Likely pathogenic (1 of 4 stars; one submission).

Conditions:
Focal segmental glomerulosclerosis 7 (FSGS7). Identifiers: Orphanet 656, MedGen C4014925, MONDO:0014451, OMIM 616002.

Submission:

Equipe Genetique des Anomalies du Developpement, Université de Bourgogne
Classification: Likely pathogenic for Focal segmental glomerulosclerosis 7. Last evaluated: 2025-01-16. Review status: criteria provided, single submitter. Criteria: ACMG Guidelines, 2015. Collection method: clinical testing. Allele origin: germline. Affected: yes.
Comment: This is a missense, heterozygous variant NM_000278.5:c.97C>G p.(Leu33Val) in the gene PAX2. In silico prediction scores are in favour of a damaging effect. The amino acid that is implicated is 100% conserved in vertebrates and is located in a functional domain. This variant is absent from gnomAD (v4.1.0). Pathogenic monoallelic variants in this gene are responsible for an autosomal dominant form of focal segmental glomerulosclerosis, type 7 (OMIM #616002). According to the available evidence, this variant is considered to be likely pathogenic.

NM_000278.5(PAX2):c.97C>G (p.Leu33Val)

Gene: PAX2 (paired box 2; plus strand). Cytogenetic location: 10q24.31.
Variant type: single nucleotide variant.
Coding change: c.97C>G on transcript NM_000278.5 (MANE Select); coding-DNA position 97, C replaced by G.
Protein change: p.Leu33Val; replaces leucine 33 with valine.
Molecular consequence: missense variant.
Genome position (GRCh38, 1-based): chr10:100,749,799, C>G. VCF-style: chr10-100749799-C-G. GRCh37 (hg19) VCF-style: chr10-102509556-C-G.
Other names: c.190C>G, p.Leu64Val (NM_001304569.2); c.97C>G, p.Leu33Val (NM_003987.5, NM_003988.5, NM_003989.5 and 1 more transcripts); short protein forms L33V, L64V.
Identifiers: ClinVar variation 3893184 (VCV003893184.1).